The following is an entry in ClinVar:

ClinVar aggregate classification (germline): Uncertain significance (0 of 4 stars; one submission).

Conditions:
CDKN1C-related disorder. Also called: CDKN1C-related condition.

Submission:

PreventionGenetics, part of Exact Sciences
Classification: Uncertain significance for CDKN1C-related condition. Last evaluated: 2023-11-20. Review status: no assertion criteria provided. Collection method: clinical testing. Allele origin: germline.
Comment: The CDKN1C c.629C>G variant is predicted to result in the amino acid substitution p.Pro210Arg. To our knowledge, this variant has not been reported in the literature or in a large population database, indicating this variant is rare. At this time, the clinical significance of this variant is uncertain due to the absence of conclusive functional and genetic evidence.

NM_001122630.2(CDKN1C):c.596C>G (p.Pro199Arg)

Gene: CDKN1C (cyclin dependent kinase inhibitor 1C; minus strand). Cytogenetic location: 11p15.4.
Variant type: single nucleotide variant.
Coding change: c.596C>G on transcript NM_001122630.2 (MANE Select); coding-DNA position 596, C replaced by G.
Protein change: p.Pro199Arg; replaces proline 199 with arginine.
Molecular consequence: missense variant. On other transcripts: intron variant (1).
Genome position (GRCh38, 1-based): chr11:2,884,861, G>C on the plus strand (C>G on the coding strand, the complement: CDKN1C is on the minus strand). VCF-style: chr11-2884861-G-C. GRCh37 (hg19) VCF-style: chr11-2906091-G-C.
Other names: c.629C>G, p.Pro210Arg (NM_000076.2, NM_001362474.2); c.596C>G, p.Pro199Arg (NM_001122631.2); c.255+341C>G (NM_001362475.2); short protein forms P199R, P210R.
Identifiers: ClinVar variation 3046792 (VCV003046792.2), dbSNP rs2494385437, ClinGen allele CA379146219.